The following is an entry in ClinVar:

ClinVar aggregate classification (germline): Uncertain significance (1 of 4 stars; one submission).

Conditions:
Optic atrophy 3 (OPA3). Also called: Optic atrophy, cataract, and neurologic disorder; OPTIC ATROPHY 3, AUTOSOMAL DOMINANT; Optic atrophy 3 with cataract. Identifiers: Orphanet 67036, MedGen C1833809, MONDO:0008133, OMIM 165300.
3-Methylglutaconic aciduria type 3 (MGCA3). Also called: OPA3, AUTOSOMAL RECESSIVE; OPTIC ATROPHY 3, AUTOSOMAL RECESSIVE; OPA3-Related 3-Methylglutaconic Aciduria; Costeff Syndrome. Identifiers: Orphanet 67047, MedGen C0574084, MONDO:0009787, OMIM 258501.

Submission:

Labcorp Genetics (formerly Invitae), Labcorp
Classification: Uncertain significance for 3-Methylglutaconic aciduria type 3; Optic atrophy 3. Last evaluated: 2022-08-22. Review status: criteria provided, single submitter. Criteria: Invitae Variant Classification Sherloc (09022015). Collection method: clinical testing. Allele origin: germline.
Comment: This sequence change replaces leucine, which is neutral and non-polar, with glutamine, which is neutral and polar, at codon 131 of the OPA3 protein (p.Leu131Gln). This variant is not present in population databases (gnomAD no frequency). This variant has not been reported in the literature in individuals affected with OPA3-related conditions. Algorithms developed to predict the effect of missense changes on protein structure and function are either unavailable or do not agree on the potential impact of this missense change (SIFT: "Deleterious"; PolyPhen-2: "Benign"; Align-GVGD: "Class C45"). In summary, the available evidence is currently insufficient to determine the role of this variant in disease. Therefore, it has been classified as a Variant of Uncertain Significance.

NM_025136.4(OPA3):c.392T>A (p.Leu131Gln)

Genes: OPA3 (outer mitochondrial membrane lipid metabolism regulator OPA3; minus strand), OPA3-RTN2 (OPA3-RTN2 readthrough; minus strand). Cytogenetic location: 19q13.32.
Variant type: single nucleotide variant.
Coding change: c.392T>A on transcript NM_025136.4 (MANE Select); coding-DNA position 392, T replaced by A.
Protein change: p.Leu131Gln; replaces leucine 131 with glutamine.
Molecular consequence: missense variant. On other transcripts: intron variant (1).
Genome position (GRCh38, 1-based): chr19:45,553,662, A>T on the plus strand (T>A on the coding strand, the complement: OPA3 is on the minus strand). VCF-style: chr19-45553662-A-T. GRCh37 (hg19) VCF-style: chr19-46056920-A-T.
Other names: c.143-24206T>A (NM_001017989.3); short protein forms L131Q.
Identifiers: ClinVar variation 1965596 (VCV001965596.2), dbSNP rs2513823763, ClinGen allele CA406370192.
Genomic context (GRCh38, chr19:45,553,662, plus strand): 5'-TCCTCCAGGGCGCCCTGTGGCGGCGCCGCCTGCACCTGCGCCTGCAGCGCTTCCAGCGCC[A>T]GCGCCAGGTGGCCCACCTCGTCCCGCAGCGCGTTCCAGGCAGCACGCTGCTCCTCCTCCT-3'
Protein context (NP_079412.1, residues 121-141): ALRDEVGHLA[Leu131Gln]ALEALQAQVQ